The following is an entry in ClinVar:

ClinVar aggregate classification (germline): Likely benign. Review status: criteria provided, multiple submitters, no conflicts (2 of 4 stars). 3 submissions from 3 submitters: Likely benign (3). Last evaluated 2025-03-30.

Conditions:
Autosomal recessive limb-girdle muscular dystrophy type 2J (LGMDR10). Also called: Limb-girdle muscular dystrophy, type 2J; MUSCULAR DYSTROPHY, LIMB-GIRDLE, AUTOSOMAL RECESSIVE 10. Identifiers: Orphanet 140922, MedGen C1837342, MONDO:0012127, OMIM 608807.
Dilated cardiomyopathy 1G (CMD1G). Identifiers: Orphanet 154, MedGen C1858763, MONDO:0011400, OMIM 604145.

gnomAD v4.1: 1 of 1,611,646 alleles (0.000062%); no homozygotes.

Submissions (3):

Labcorp Genetics (formerly Invitae), Labcorp
Classification: Likely benign for Dilated cardiomyopathy 1G; Autosomal recessive limb-girdle muscular dystrophy type 2J. Last evaluated: 2025-03-30. Review status: criteria provided, single submitter. Criteria: Invitae Variant Classification Sherloc (09022015). Collection method: clinical testing. Allele origin: germline.

CeGaT Center for Human Genetics Tuebingen
Classification: Likely benign. Last evaluated: 2024-11-01. Review status: criteria provided, single submitter. Criteria: CeGaT Center For Human Genetics Tuebingen Variant Classification Criteria Version 2. Collection method: clinical testing. Allele origin: germline. Affected: yes. Observed: 1 variant allele.
Comment: TTN: BP4, BP7

Blueprint Genetics
Classification: Likely benign. Last evaluated: 2023-05-30. Review status: criteria provided, single submitter. Criteria: ACMG Guidelines, 2015. Collection method: clinical testing. Allele origin: germline.

NM_001267550.2(TTN):c.34263T>C (p.Val11421=)

Gene: TTN (titin; minus strand). Cytogenetic location: 2q31.2.
Variant type: single nucleotide variant.
Coding change: c.34263T>C on transcript NM_001267550.2 (MANE Select); coding-DNA position 34263, T replaced by C.
Protein change: p.Val11421=; no amino-acid change (valine 11421 retained).
Molecular consequence: synonymous variant. On other transcripts: intron variant (3).
Genome position (GRCh38, 1-based): chr2:178,677,649, A>G on the plus strand (T>C on the coding strand, the complement: TTN is on the minus strand). VCF-style: chr2-178677649-A-G. GRCh37 (hg19) VCF-style: chr2-179542376-A-G.
Other names: c.33312T>C, p.Val11104= (NM_001256850.1); c.30531T>C, p.Val10177= (NM_133378.4); c.13283-35332T>C (NM_003319.4); c.13859-35332T>C (NM_133437.4); c.13658-35332T>C (NM_133432.3).
Identifiers: ClinVar variation 3389081 (VCV003389081.16).